The following is an entry in ClinVar:

NM_001365999.1(SZT2):c.368A>G (p.His123Arg)

Gene: SZT2 (SZT2 subunit of KICSTOR complex; plus strand). Cytogenetic location: 1p34.2.
Variant type: single nucleotide variant.
Coding change: c.368A>G on transcript NM_001365999.1 (MANE Select); coding-DNA position 368, A replaced by G.
Protein change: p.His123Arg; replaces histidine 123 with arginine.
Molecular consequence: missense variant.
Genome position (GRCh38, 1-based): chr1:43,404,420, A>G. VCF-style: chr1-43404420-A-G. GRCh37 (hg19) VCF-style: chr1-43870091-A-G.
Other names: c.368A>G, p.His123Arg (NM_015284.4); short protein forms H123R.
Identifiers: ClinVar variation 411939 (VCV000411939.56), dbSNP rs147519875, ClinGen allele CA808153.
Genomic context (GRCh38, chr1:43,404,420, plus strand): 5'-TGCTCTTTCTCTGCCCTCAGGATGATTCCACAGGGGAGATCTTGTTTGATGAAGTTTTCC[A>G]TGCCCTGTCCCGCTGCTTAGGCGGGCTGCTTCGGCCCTTCCGAGTGCCTGGATCTTGCAT-3'
Protein context (NP_001352928.1, residues 113-133): TGEILFDEVF[His123Arg]ALSRCLGGLL

ClinVar aggregate classification (germline): Uncertain significance. Review status: criteria provided, multiple submitters, no conflicts (2 of 4 stars). 7 submissions from 7 submitters: Uncertain significance (7). Last evaluated 2025-07-05.

Conditions:
Inborn genetic diseases. Identifiers: MedGen C0950123, MeSH D030342.
Developmental and epileptic encephalopathy, 18 (DEE18). Also called: Early infantile epileptic encephalopathy 18. Identifiers: Orphanet 369894, MedGen C3809624, MONDO:0014201, OMIM 615476.

Allele frequency attached by ClinVar (database versions not stated): gnomAD exomes 0.00017 and 0.00034; ExAC 0.00018; gnomAD 0.00019 and 0.00021; TOPMed 0.00020; ESP Exome Variant Server 0.00038.
gnomAD v4.1: 542 of 1,613,818 alleles (0.034%); highest among the groups gnomAD compares: Non-Finnish European, 0.041%; no homozygotes.

Submissions (7):

GeneDx
Classification: Uncertain significance. Last evaluated: 2025-07-05. Review status: criteria provided, single submitter. Criteria: GeneDx Variant Classification Process June 2021. Collection method: clinical testing. Allele origin: germline. Affected: yes.
Comment: In silico analysis suggests that this missense variant does not alter protein structure/function; Has not been previously published as pathogenic or benign to our knowledge

Women's Health and Genetics/Laboratory Corporation of America, LabCorp
Classification: Uncertain significance. Last evaluated: 2025-02-05. Review status: criteria provided, single submitter. Criteria: LabCorp Variant Classification Summary - May 2015. Collection method: clinical testing. Allele origin: germline.
Comment: Variant summary: SZT2 c.368A>G (p.His123Arg) results in a non-conservative amino acid change in the encoded protein sequence. Three of four in-silico tools predict a benign effect of the variant on protein function. The variant allele was found at a frequency of 0.00017 in 251186 control chromosomes. This frequency is not significantly higher than estimated for a pathogenic variant in SZT2 causing Early Infantile Epileptic Encephalopathy 18, allowing no conclusion about variant significance. To our knowledge, no occurrence of c.368A>G in individuals affected with Early Infantile Epileptic Encephalopathy 18 and no experimental evidence demonstrating its impact on protein function have been reported. ClinVar contains an entry for this variant (Variation ID: 411939). Based on the evidence outlined above, the variant was classified as uncertain significance.

Genome-Nilou Lab
Classification: Uncertain significance for Developmental and epileptic encephalopathy, 18. Last evaluated: 2023-04-11. Review status: criteria provided, single submitter. Criteria: ACMG Guidelines, 2015. Collection method: clinical testing. Allele origin: germline. Affected: no.

Labcorp Genetics (formerly Invitae), Labcorp
Classification: Uncertain significance. Last evaluated: 2022-09-07. Review status: criteria provided, single submitter. Criteria: Invitae Variant Classification Sherloc (09022015). Collection method: clinical testing. Allele origin: germline.
Comment: This sequence change replaces histidine, which is basic and polar, with arginine, which is basic and polar, at codon 123 of the SZT2 protein (p.His123Arg). This variant is present in population databases (rs147519875, gnomAD 0.03%). This variant has not been reported in the literature in individuals affected with SZT2-related conditions. ClinVar contains an entry for this variant (Variation ID: 411939). Algorithms developed to predict the effect of missense changes on protein structure and function output the following: SIFT: "Tolerated"; PolyPhen-2: "Possibly Damaging"; Align-GVGD: "Class C0". The arginine amino acid residue is found in multiple mammalian species, which suggests that this missense change does not adversely affect protein function. In summary, the available evidence is currently insufficient to determine the role of this variant in disease. Therefore, it has been classified as a Variant of Uncertain Significance.

CeGaT Center for Human Genetics Tuebingen
Classification: Uncertain significance. Last evaluated: 2019-11-01. Review status: criteria provided, single submitter. Criteria: CeGaT Center For Human Genetics Tuebingen Variant Classification Criteria Version 2. Collection method: clinical testing. Allele origin: germline. Affected: yes. Observed: 1 variant allele.

Athena Diagnostics
Classification: Uncertain significance. Last evaluated: 2019-03-28. Review status: criteria provided, single submitter. Criteria: Athena Diagnostics Criteria. Collection method: clinical testing. Allele origin: germline.

Ambry Genetics
Classification: Uncertain significance for Inborn genetic diseases. Last evaluated: 2018-01-16. Review status: criteria provided, single submitter. Criteria: Ambry Variant Classification Scheme 2023. Collection method: clinical testing. Allele origin: germline.
Comment: The p.H123R variant (also known as c.368A>G), located in coding exon 4 of the SZT2 gene, results from an A to G substitution at nucleotide position 368. The histidine at codon 123 is replaced by arginine, an amino acid with highly similar properties. This amino acid position is not well conserved in available vertebrate species. In addition, this alteration is predicted to be tolerated by in silico analysis. Since supporting evidence is limited at this time, the clinical significance of this alteration remains unclear.